The following is an entry in ClinVar:

ClinVar aggregate classification (germline): Uncertain significance (1 of 4 stars; one submission).

Submission:

GeneDx
Classification: Uncertain significance. Last evaluated: 2025-06-30. Review status: criteria provided, single submitter. Criteria: GeneDx Variant Classification Process June 2021. Collection method: clinical testing. Allele origin: germline. Affected: yes.
Comment: Not observed at significant frequency in large population cohorts (gnomAD); In silico analysis suggests that this missense variant does not alter protein structure/function; Has not been previously published as pathogenic or benign to our knowledge

NM_133433.4(NIPBL):c.3008T>C (p.Val1003Ala)

Gene: NIPBL (NIPBL cohesin loading factor; plus strand). Cytogenetic location: 5p13.2.
Variant type: single nucleotide variant.
Coding change: c.3008T>C on transcript NM_133433.4 (MANE Select); coding-DNA position 3008, T replaced by C.
Protein change: p.Val1003Ala; replaces valine 1003 with alanine.
Molecular consequence: missense variant.
Genome position (GRCh38, 1-based): chr5:36,986,188, T>C. VCF-style: chr5-36986188-T-C. GRCh37 (hg19) VCF-style: chr5-36986290-T-C.
Other names: c.3008T>C, p.Val1003Ala (NM_001438586.1, NM_015384.5); short protein forms V1003A.
Identifiers: ClinVar variation 4681093 (VCV004681093.1).